The following is an entry in ClinVar:

NM_001018113.3(FANCB):c.461C>A (p.Ser154Tyr)

Gene: FANCB (FA complementation group B; minus strand). Cytogenetic location: Xp22.2.
Variant type: single nucleotide variant.
Coding change: c.461C>A on transcript NM_001018113.3 (MANE Select); coding-DNA position 461, C replaced by A.
Protein change: p.Ser154Tyr; replaces serine 154 with tyrosine.
Molecular consequence: missense variant.
Genome position (GRCh38, 1-based): chrX:14,865,050, G>T on the plus strand (C>A on the coding strand, the complement: FANCB is on the minus strand). VCF-style: chrX-14865050-G-T. GRCh37 (hg19) VCF-style: chrX-14883172-G-T.
Other names: c.461C>A, p.Ser154Tyr (NM_001324162.2, NM_001410764.1, NM_152633.4); short protein forms S154Y.
Identifiers: ClinVar variation 2901583 (VCV002901583.4), dbSNP rs868271826, ClinGen allele CA327063404.
Genomic context (GRCh38, chrX:14,865,050, plus strand): 5'-CCTGCCCACTGAATAGAGGAAAAGTTACCTGACACACTAACAACTTTGCCAGTTTGAGAA[G>T]AGATAAAGAAGAATGCTTTGACATGCCTCCATAAAATTAAAGGGCCATTAAGGACCCTTA-3'
Protein context (NP_001018123.1, residues 144-164): WRHVKAFFFI[Ser154Tyr]SQTGKVVSVS

ClinVar aggregate classification (germline): Uncertain significance. Review status: criteria provided, multiple submitters, no conflicts (2 of 4 stars). 2 submissions from 2 submitters: Uncertain significance (2). Last evaluated 2025-03-02.

Conditions:
Fanconi anemia (FA). Also called: Fanconi's anemia. Identifiers: Orphanet 84, MedGen C0015625, MeSH D005199, MONDO:0019391.

Allele frequency attached by ClinVar (database versions not stated): TOPMed 0.00002; gnomAD 0.00003.

Submissions (2):

GeneDx
Classification: Uncertain significance. Last evaluated: 2025-03-02. Review status: criteria provided, single submitter. Criteria: GeneDx Variant Classification Process June 2021. Collection method: clinical testing. Allele origin: germline. Affected: yes.
Comment: Not observed at significant frequency in large population cohorts (gnomAD); In silico analysis supports that this missense variant has a deleterious effect on protein structure/function; Has not been previously published as pathogenic or benign to our knowledge

Labcorp Genetics (formerly Invitae), Labcorp
Classification: Uncertain significance for Fanconi anemia. Last evaluated: 2024-06-17. Review status: criteria provided, single submitter. Criteria: Invitae Variant Classification Sherloc (09022015). Collection method: clinical testing. Allele origin: germline.
Comment: This sequence change replaces serine, which is neutral and polar, with tyrosine, which is neutral and polar, at codon 154 of the FANCB protein (p.Ser154Tyr). This variant is not present in population databases (gnomAD no frequency). This variant has not been reported in the literature in individuals affected with FANCB-related conditions. Advanced modeling of protein sequence and biophysical properties (such as structural, functional, and spatial information, amino acid conservation, physicochemical variation, residue mobility, and thermodynamic stability) performed at Invitae indicates that this missense variant is expected to disrupt FANCB protein function with a positive predictive value of 80%. In summary, the available evidence is currently insufficient to determine the role of this variant in disease. Therefore, it has been classified as a Variant of Uncertain Significance.